The following is an entry in ClinVar:

ClinVar aggregate classification (germline): Uncertain significance (1 of 4 stars; one submission).

Submission:

Labcorp Genetics (formerly Invitae), Labcorp
Classification: Uncertain significance. Last evaluated: 2025-10-02. Review status: criteria provided, single submitter. Criteria: Invitae Variant Classification Sherloc (09022015). Collection method: clinical testing. Allele origin: germline.
Comment: This sequence change replaces glutamic acid, which is acidic and polar, with glycine, which is neutral and non-polar, at codon 1108 of the GRM1 protein (p.Glu1108Gly). This variant is not present in population databases (gnomAD no frequency). This variant has not been reported in the literature in individuals affected with GRM1-related conditions. ClinVar contains an entry for this variant (Variation ID: 2700192). An algorithm developed to predict the effect of missense changes on protein structure and function (PolyPhen-2) suggests that this variant is likely to be tolerated. In summary, the available evidence is currently insufficient to determine the role of this variant in disease. Therefore, it has been classified as a Variant of Uncertain Significance.

NM_001278064.2(GRM1):c.3323A>G (p.Glu1108Gly)

Gene: GRM1 (glutamate metabotropic receptor 1; plus strand). Cytogenetic location: 6q24.3.
Variant type: single nucleotide variant.
Coding change: c.3323A>G on transcript NM_001278064.2 (MANE Select); coding-DNA position 3323, A replaced by G.
Protein change: p.Glu1108Gly; replaces glutamic acid 1108 with glycine.
Molecular consequence: missense variant. On other transcripts: 3 prime UTR variant (3).
Genome position (GRCh38, 1-based): chr6:146,434,534, A>G. VCF-style: chr6-146434534-A-G. GRCh37 (hg19) VCF-style: chr6-146755670-A-G.
Other names: c.*687A>G (NM_001278065.2); c.*652A>G (NM_001278066.1); c.*561A>G (NM_001278067.1); short protein forms E1108G.
Identifiers: ClinVar variation 2700192 (VCV002700192.3), dbSNP rs956189803, ClinGen allele CA149303148.
Genomic context (GRCh38, chr6:146,434,534, plus strand): 5'-AGCTGGTCTCCCCGCCCGCGGACGACGACGACGACAGCGAGAGGTTTAAGCTCCTCCAGG[A>G]GTACGTGTATGAGCACGAGCGGGAAGGGAACACGGAAGAAGACGAACTGGAAGAGGAGGA-3'
Protein context (NP_001264993.1, residues 1098-1118): DDSERFKLLQ[Glu1108Gly]YVYEHEREGN